The following is an entry in ClinVar:

NM_000371.4(TTR):c.128G>A (p.Ser43Asn)

Gene: TTR (transthyretin; plus strand). Cytogenetic location: 18q12.1.
Variant type: single nucleotide variant.
Coding change: c.128G>A on transcript NM_000371.4 (MANE Select); coding-DNA position 128, G replaced by A.
Protein change: p.Ser43Asn; replaces serine 43 with asparagine.
Molecular consequence: missense variant.
Genome position (GRCh38, 1-based): chr18:31,592,954, G>A. VCF-style: chr18-31592954-G-A. GRCh37 (hg19) VCF-style: chr18-29172917-G-A.
Other names: short protein forms S43N.
Identifiers: ClinVar variation 661615 (VCV000661615.21), dbSNP rs1598844112, ClinGen allele CA402156660.

ClinVar aggregate classification (germline): Pathogenic/Likely pathogenic. Review status: criteria provided, multiple submitters, no conflicts (2 of 4 stars). 4 submissions from 4 submitters: Pathogenic (2); Likely pathogenic (2). Last evaluated 2024-04-22.

Conditions:
Cardiovascular phenotype. Identifiers: MedGen CN230736.
Amyloidosis, hereditary systemic 1 (AMYLD1). Also called: Familial amyloid polyneuropathy; Transthyretin Amyloidosis; Hereditary oculoleptomeningeal amyloid angiopathy; Familial Transthyretin Amyloidosis; Isolated Cardiac Amyloidosis; Amyloid Cardiomyopathy, Transthyretin-related. Identifiers: Orphanet 85447, Orphanet 85451, MedGen C2751492, MONDO:0971004, OMIM 105210.

Allele frequency attached by ClinVar (database versions not stated): gnomAD exomes below 0.00001.

Submissions (4):

Labcorp Genetics (formerly Invitae), Labcorp
Classification: Pathogenic for Amyloidosis, hereditary systemic 1. Last evaluated: 2024-04-22. Review status: criteria provided, single submitter. Criteria: Invitae Variant Classification Sherloc (09022015). Collection method: clinical testing. Allele origin: germline.
Comment: This sequence change replaces serine, which is neutral and polar, with asparagine, which is neutral and polar, at codon 43 of the TTR protein (p.Ser43Asn). This variant is not present in population databases (gnomAD no frequency). This missense change has been observed in individual(s) with hereditary transthyretin-mediated amyloidosis (hATTR amyloidosis) (PMID: 10439117, 22149423, 22400056, 23713495, 26428663, 28878402). This variant is also known as p.Ser23Asn. ClinVar contains an entry for this variant (Variation ID: 661615). Advanced modeling of protein sequence and biophysical properties (such as structural, functional, and spatial information, amino acid conservation, physicochemical variation, residue mobility, and thermodynamic stability) performed at Invitae indicates that this missense variant is expected to disrupt TTR protein function with a positive predictive value of 95%. For these reasons, this variant has been classified as Pathogenic.

Ambry Genetics
Classification: Likely pathogenic for Cardiovascular phenotype. Last evaluated: 2022-08-31. Review status: criteria provided, single submitter. Criteria: Ambry Variant Classification Scheme 2023. Collection method: clinical testing. Allele origin: germline.
Comment: The p.S43N variant (also known as c.128G>A), located in coding exon 2 of the TTR gene, results from a G to A substitution at nucleotide position 128. The serine at codon 43 is replaced by asparagine, an amino acid with highly similar properties. This alteration, which is also known as p.S23N, has been reported in individuals with a clinical diagnosis of transthyretin (TTR) amyloidosis, as well as TTR amyloidosis cohorts (Connors LH et al. Amyloid, 1999 Jun;6:114-8; Mueller II et al. BMJ Case Rep, 2010 Mar;2010:[ePub ahead of print]; Casta&ntilde;o A et al. Amyloid, 2012 Mar;19:41-6; Rapezzi C et al. Eur Heart J, 2013 Feb;34:520-8; Ihse E et al. Amyloid, 2013 Sep;20:142-50; Liu N et al. Sci Rep, 2017 09;7:10676; Waddington-Cruz M et al. J Peripher Nerv Syst, 2021 06;26:160-166; Papathanasiou M et al. Mol Genet Genomic Med, 2021 12;9:e1581). This variant is considered to be rare based on population cohorts in the Genome Aggregation Database (gnomAD). This amino acid position is not well conserved in available vertebrate species. In addition, this alteration is predicted to be tolerated by in silico analysis. Based on the majority of available evidence to date, this variant is likely to be pathogenic.

Mendelics
Classification: Pathogenic for Amyloidosis, hereditary systemic 1. Last evaluated: 2022-05-04. Review status: criteria provided, single submitter. Criteria: Mendelics Assertion Criteria 2019. Collection method: clinical testing. Allele origin: germline.

ARUP Laboratories, Molecular Genetics and Genomics, ARUP Laboratories
Classification: Likely pathogenic. Last evaluated: 2020-04-29. Review status: criteria provided, single submitter. Criteria: ARUP Molecular Germline Variant Investigation Process. Collection method: clinical testing. Allele origin: germline.
Comment: The TTR c.128G>A; p.Ser43Asn variant, also known as Ser23Asn, is reported in the literature in multiple individuals affected with transthyretin-related amyloidosis (Castano 2012, Ihse 2013, Mueller 2010, Rapezzi 2013). This variant is reported in ClinVar (Variation ID: 661615), and is absent from general population databases (Exome Variant Server, Genome Aggregation Database), indicating it is not a common polymorphism. Functional analyses demonstrate reduced monomer stability and positive for amyloid formation on endomyocardial biopsies from multiple patients (Castano 2012, Mueller 2010). The serine at codon 43 is moderately conserved, and computational analyses (SIFT: tolerated, PolyPhen-2: possibly damaging) predict conflicting effects of this variant on protein structure/function. Based on available information, this variant is considered to be likely pathogenic. References: Castano A et al. Technetium pyrophosphate myocardial uptake and peripheral neuropathy in a rare variant of familial transthyretin (TTR) amyloidosis (Ser23Asn): a case report and literature review. Amyloid. 2012;19(1):41â€“46. Ihse E et al. Amyloid fibrils containing fragmented ATTR may be the standard fibril composition in ATTR amyloidosis. Amyloid. 2013;20(3):142â€“150. Mueller II et al. Restrictive cardiomyopathy in inherited ATTR amyloidosis (TTR-Ser23Asn) in a patient of German-Italian extraction. BMJ Case Rep. 2010;2010:bcr06.2009.2032. Rapezzi C et al. Disease profile and differential diagnosis of hereditary transthyretin-related amyloidosis with exclusively cardiac phenotype: an Italian perspective. Eur Heart J. 2013;34(7):520â€“528.

Literature cited by the submitters: PubMed 10439117 (cited by Labcorp Genetics (formerly Invitae), Labcorp and Ambry Genetics); PubMed 22149423 (cited by Labcorp Genetics (formerly Invitae), Labcorp and Ambry Genetics); PubMed 22400056 (cited by Labcorp Genetics (formerly Invitae), Labcorp and Ambry Genetics); PubMed 23713495 (cited by Labcorp Genetics (formerly Invitae), Labcorp and Ambry Genetics); PubMed 26428663 (cited by Labcorp Genetics (formerly Invitae), Labcorp); PubMed 28878402 (cited by Labcorp Genetics (formerly Invitae), Labcorp and Ambry Genetics); PubMed 22745357 (cited by Ambry Genetics); PubMed 33345470 (cited by Ambry Genetics); PubMed 33844361 (cited by Ambry Genetics).